The following is an entry in ClinVar:

ClinVar aggregate classification (germline): Uncertain significance. Review status: criteria provided, multiple submitters, no conflicts (2 of 4 stars). 4 submissions from 4 submitters: Uncertain significance (4). Last evaluated 2026-08-24.

Conditions:
Hereditary sensory and autonomic neuropathy type 7. Also called: Neuropathy, hereditary sensory and autonomic, type VII; HSAN VII. Identifiers: Orphanet 391397, MedGen C3809882, MONDO:0014244, OMIM 615548.
Familial episodic pain syndrome with predominantly lower limb involvement. Also called: Episodic pain syndrome, familial, 3. Identifiers: Orphanet 391384, Orphanet 391392, MedGen C3809899, MONDO:0014247, OMIM 615552.
Inborn genetic diseases. Identifiers: MedGen C0950123, MeSH D030342.
SCN11A-related disorder. Also called: SCN11A-related condition.

Allele frequency attached by ClinVar (database versions not stated): ExAC 0.00002; gnomAD exomes 0.00002 and 0.00004; gnomAD 0.00003; TOPMed 0.00003.
gnomAD v4.1: 65 of 1,613,156 alleles (0.004%); highest among the groups gnomAD compares: Non-Finnish European, 0.0047%; no homozygotes.

Submissions (4):

PreventionGenetics, part of Exact Sciences
Classification: Uncertain significance for SCN11A-related condition. Last evaluated: 2026-08-24. Review status: criteria provided, single submitter. Criteria: ACMG Guidelines, 2015. Collection method: clinical testing. Allele origin: germline.
Comment: The SCN11A c.3916G>A variant is predicted to result in the amino acid substitution p.Val1306Ile. To our knowledge, this variant has not been reported in the literature. This variant is reported in 0.0047% of alleles in individuals of European (non-Finnish) descent in gnomAD. At this time, the clinical significance of this variant is uncertain due to the absence of conclusive functional and genetic evidence.

Labcorp Genetics (formerly Invitae), Labcorp
Classification: Uncertain significance for Familial episodic pain syndrome with predominantly lower limb involvement; Hereditary sensory and autonomic neuropathy type 7. Last evaluated: 2026-01-21. Review status: criteria provided, single submitter. Criteria: Invitae Variant Classification Sherloc (09022015). Collection method: clinical testing. Allele origin: germline.
Comment: This sequence change replaces valine, which is neutral and non-polar, with isoleucine, which is neutral and non-polar, at codon 1306 of the SCN11A protein (p.Val1306Ile). This variant is present in population databases (rs763336682, gnomAD 0.006%). This variant has not been reported in the literature in individuals affected with SCN11A-related conditions. ClinVar contains an entry for this variant (Variation ID: 809469). Invitae Evidence Modeling of protein sequence and biophysical properties (such as structural, functional, and spatial information, amino acid conservation, physicochemical variation, residue mobility, and thermodynamic stability) indicates that this missense variant is expected to disrupt SCN11A protein function with a positive predictive value of 80%. In summary, the available evidence is currently insufficient to determine the role of this variant in disease. Therefore, it has been classified as a Variant of Uncertain Significance.

Ambry Genetics
Classification: Uncertain significance for Inborn genetic diseases. Last evaluated: 2025-04-09. Review status: criteria provided, single submitter. Criteria: Ambry Variant Classification Scheme 2023. Collection method: clinical testing. Allele origin: germline.

CeGaT Center for Human Genetics Tuebingen
Classification: Uncertain significance. Last evaluated: 2017-04-01. Review status: criteria provided, single submitter. Criteria: CeGaT Center For Human Genetics Tuebingen Variant Classification Criteria Version 2. Collection method: clinical testing. Allele origin: germline. Affected: yes. Observed: 1 variant allele.

NM_001349253.2(SCN11A):c.3916G>A (p.Val1306Ile)

Gene: SCN11A (sodium voltage-gated channel alpha subunit 11; minus strand). Cytogenetic location: 3p22.2.
Variant type: single nucleotide variant.
Coding change: c.3916G>A on transcript NM_001349253.2 (MANE Select); coding-DNA position 3916, G replaced by A.
Protein change: p.Val1306Ile; replaces valine 1306 with isoleucine.
Molecular consequence: missense variant.
Genome position (GRCh38, 1-based): chr3:38,867,356, C>T on the plus strand (G>A on the coding strand, the complement: SCN11A is on the minus strand). VCF-style: chr3-38867356-C-T. GRCh37 (hg19) VCF-style: chr3-38908847-C-T.
Other names: c.3916G>A, p.Val1306Ile (NM_014139.3); short protein forms V1306I.
Identifiers: ClinVar variation 809469 (VCV000809469.51), dbSNP rs763336682, ClinGen allele CA2321663.